The following is an entry in ClinVar:

NM_001005361.3(DNM2):c.2420C>T (p.Pro807Leu)

Gene: DNM2 (dynamin 2; plus strand). Cytogenetic location: 19p13.2.
Variant type: single nucleotide variant.
Coding change: c.2420C>T on transcript NM_001005361.3 (MANE Select); coding-DNA position 2420, C replaced by T.
Protein change: p.Pro807Leu; replaces proline 807 with leucine.
Molecular consequence: missense variant.
Genome position (GRCh38, 1-based): chr19:10,830,255, C>T. VCF-style: chr19-10830255-C-T. GRCh37 (hg19) VCF-style: chr19-10940931-C-T.
Other names: c.2420C>T, p.Pro807Leu (NM_001005360.3, NM_001190716.2); c.2408C>T, p.Pro803Leu (NM_001005362.3, NM_004945.4); short protein forms P803L, P807L.
Identifiers: ClinVar variation 2051315 (VCV002051315.4), dbSNP rs2513377323, ClinGen allele CA404043975.
Genomic context (GRCh38, chr19:10,830,255, plus strand): 5'-CCACTCCAGGGCCCCCCCTGATTCCTGTTCCCGTGGGGGCAGCAGCCTCCTTCTCGGCGC[C>T]CCCAATCCCATCCCGGCCTGGACCCCAGAGCGTGTTTGCCAACAGTGACCTCTTCCCAGC-3'
Protein context (NP_001005361.1, residues 797-817): PVGAAASFSA[Pro807Leu]PIPSRPGPQS

ClinVar aggregate classification (germline): Uncertain significance (1 of 4 stars; one submission).

Conditions:
Charcot-Marie-Tooth disease dominant intermediate B (CMTDIB). Also called: Charcot-Marie-Tooth disease dominant intermediate 1; CMT DI1; Charcot-Marie-Tooth disease dominant intermediate I; CHARCOT-MARIE-TOOTH NEUROPATHY, DOMINANT INTERMEDIATE B. Identifiers: Orphanet 100044, Orphanet 228179, MedGen C1847902, MONDO:0011674, OMIM 606482.

Submission:

Labcorp Genetics (formerly Invitae), Labcorp
Classification: Uncertain significance for Charcot-Marie-Tooth disease dominant intermediate B. Last evaluated: 2022-08-09. Review status: criteria provided, single submitter. Criteria: Invitae Variant Classification Sherloc (09022015). Collection method: clinical testing. Allele origin: germline.
Comment: This variant is not present in population databases (gnomAD no frequency). This sequence change replaces proline, which is neutral and non-polar, with leucine, which is neutral and non-polar, at codon 807 of the DNM2 protein (p.Pro807Leu). This variant has not been reported in the literature in individuals affected with DNM2-related conditions. Algorithms developed to predict the effect of missense changes on protein structure and function are either unavailable or do not agree on the potential impact of this missense change (SIFT: "Deleterious"; PolyPhen-2: "Probably Damaging"; Align-GVGD: "Class C0"). In summary, the available evidence is currently insufficient to determine the role of this variant in disease. Therefore, it has been classified as a Variant of Uncertain Significance.